The following is an entry in ClinVar:

NM_016151.4(TAOK2):c.3370C>T (p.Arg1124Cys)

Gene: TAOK2 (TAO kinase 2; plus strand). Cytogenetic location: 16p11.2.
Variant type: single nucleotide variant.
Coding change: c.3370C>T on transcript NM_016151.4 (MANE Select); coding-DNA position 3370, C replaced by T.
Protein change: p.Arg1124Cys; replaces arginine 1124 with cysteine.
Molecular consequence: missense variant. On other transcripts: intron variant (1).
Genome position (GRCh38, 1-based): chr16:29,987,642, C>T. VCF-style: chr16-29987642-C-T. GRCh37 (hg19) VCF-style: chr16-29998963-C-T.
Other names: c.3031C>T, p.Arg1011Cys (NM_001252043.2); c.2232+1138C>T (NM_004783.4); short protein forms R1011C, R1124C.
Identifiers: ClinVar variation 4800033 (VCV004800033.1).

ClinVar aggregate classification (germline): Uncertain significance (1 of 4 stars; one submission).

gnomAD v4.1: 22 of 1,613,262 alleles (0.0014%); highest among the groups gnomAD compares: Non-Finnish European, 0.0015%; no homozygotes.

Submission:

Labcorp Genetics (formerly Invitae), Labcorp
Classification: Uncertain significance. Last evaluated: 2025-08-20. Review status: criteria provided, single submitter. Criteria: Invitae Variant Classification Sherloc (09022015). Collection method: clinical testing. Allele origin: germline.
Comment: This sequence change replaces arginine, which is basic and polar, with cysteine, which is neutral and slightly polar, at codon 1124 of the TAOK2 protein (p.Arg1124Cys). This variant is present in population databases (no rsID available, gnomAD 0.0009%). This variant has not been reported in the literature in individuals affected with TAOK2-related conditions. An algorithm developed to predict the effect of missense changes on protein structure and function (PolyPhen-2) suggests that this variant is likely to be tolerated. In summary, the available evidence is currently insufficient to determine the role of this variant in disease. Therefore, it has been classified as a Variant of Uncertain Significance.